The following is an entry in ClinVar:

NM_198253.3(TERT):c.866T>C (p.Leu289Pro)

Gene: TERT (telomerase reverse transcriptase; minus strand). Cytogenetic location: 5p15.33.
Variant type: single nucleotide variant.
Coding change: c.866T>C on transcript NM_198253.3 (MANE Select); coding-DNA position 866, T replaced by C.
Protein change: p.Leu289Pro; replaces leucine 289 with proline.
Molecular consequence: missense variant. On other transcripts: non-coding transcript variant (2).
Genome position (GRCh38, 1-based): chr5:1,294,020, A>G on the plus strand (T>C on the coding strand, the complement: TERT is on the minus strand). VCF-style: chr5-1294020-A-G. GRCh37 (hg19) VCF-style: chr5-1294135-A-G.
Other names: c.866T>C, p.Leu289Pro (NM_001193376.3); c.866T>C (NM_198253.2); short protein forms L289P.
Identifiers: ClinVar variation 1428782 (VCV001428782.8), dbSNP rs1751193985, ClinGen allele CA359056409.

ClinVar aggregate classification (germline): Uncertain significance. Review status: criteria provided, multiple submitters, no conflicts (2 of 4 stars). 2 submissions from 2 submitters: Uncertain significance (2). Last evaluated 2023-04-05.

Conditions:
Dyskeratosis congenita, autosomal dominant 2. Identifiers: MedGen C3151443, MONDO:0013521, OMIM 613989.
Idiopathic Pulmonary Fibrosis. Also called: Idiopathic fibrosing alveolitis, chronic form; idiopathic fibrosing alveolitis. Identifiers: Orphanet 2032, MedGen C1800706, MeSH D054990, MONDO:0800504.
Dyskeratosis congenita. Identifiers: Orphanet 1775, MedGen C0265965, MONDO:0015780.

Allele frequency attached by ClinVar (database versions not stated): gnomAD exomes below 0.00001; TOPMed 0.00001.
gnomAD v4.1: 3 of 1,593,750 alleles (0.00019%); highest among the groups gnomAD compares: Non-Finnish European, 0.00017%; no homozygotes.

Submissions (2):

Labcorp Genetics (formerly Invitae), Labcorp
Classification: Uncertain significance for Dyskeratosis congenita, autosomal dominant 2; Idiopathic Pulmonary Fibrosis. Last evaluated: 2023-04-05. Review status: criteria provided, single submitter. Criteria: Invitae Variant Classification Sherloc (09022015). Collection method: clinical testing. Allele origin: germline.
Comment: ClinVar contains an entry for this variant (Variation ID: 1428782). In summary, the available evidence is currently insufficient to determine the role of this variant in disease. Therefore, it has been classified as a Variant of Uncertain Significance. Advanced modeling of protein sequence and biophysical properties (such as structural, functional, and spatial information, amino acid conservation, physicochemical variation, residue mobility, and thermodynamic stability) performed at Invitae indicates that this missense variant is not expected to disrupt TERT protein function. This variant has not been reported in the literature in individuals affected with TERT-related conditions. This variant is not present in population databases (gnomAD no frequency). This sequence change replaces leucine, which is neutral and non-polar, with proline, which is neutral and non-polar, at codon 289 of the TERT protein (p.Leu289Pro).

Ambry Genetics
Classification: Uncertain significance for Dyskeratosis congenita. Last evaluated: 2023-03-02. Review status: criteria provided, single submitter. Criteria: Ambry Variant Classification Scheme 2023. Collection method: clinical testing. Allele origin: germline.
Comment: The p.L289P variant (also known as c.866T>C), located in coding exon 2 of the TERT gene, results from a T to C substitution at nucleotide position 866. The leucine at codon 289 is replaced by proline, an amino acid with similar properties. This amino acid position is conserved. In addition, this alteration is predicted to be tolerated by in silico analysis. Since supporting evidence is limited at this time, the clinical significance of this alteration remains unclear.